The following is an entry in ClinVar:

NM_153813.3(ZFPM1):c.1596G>A (p.Gly532=)

Gene: ZFPM1 (zinc finger protein, FOG family member 1; plus strand). Cytogenetic location: 16q24.2.
Variant type: single nucleotide variant.
Coding change: c.1596G>A on transcript NM_153813.3 (MANE Select); coding-DNA position 1596, G replaced by A.
Protein change: p.Gly532=; no amino-acid change (glycine 532 retained).
Molecular consequence: synonymous variant.
Genome position (GRCh38, 1-based): chr16:88,533,554, G>A. VCF-style: chr16-88533554-G-A. GRCh37 (hg19) VCF-style: chr16-88599962-G-A.
Identifiers: ClinVar variation 2646976 (VCV002646976.24), dbSNP rs574184583, ClinGen allele CA8226268.

ClinVar aggregate classification (germline): Likely benign (1 of 4 stars; one submission).

Allele frequency attached by ClinVar (database versions not stated): 1000 Genomes Project 0.00040; TOPMed 0.00054; 1000 Genomes Project 30x 0.00062; ExAC 0.00266.
gnomAD v4.1: 668 of 1,478,644 alleles (0.045%); highest among the groups gnomAD compares: Middle Eastern, 1.1%; 2 homozygotes.

Submission:

CeGaT Center for Human Genetics Tuebingen
Classification: Likely benign. Last evaluated: 2022-03-01. Review status: criteria provided, single submitter. Criteria: CeGaT Center For Human Genetics Tuebingen Variant Classification Criteria Version 2. Collection method: clinical testing. Allele origin: germline. Affected: yes. Observed: 1 variant allele.
Comment: ZFPM1: BP4, BP7